The following is an entry in ClinVar:

ClinVar aggregate classification (germline): Likely benign (0 of 4 stars; one submission).

Conditions:
IRX5-related disorder. Also called: IRX5-related condition.

Allele frequency attached by ClinVar (database versions not stated): gnomAD exomes below 0.00001; TOPMed 0.00001; gnomAD 0.00002.

Submission:

PreventionGenetics, part of Exact Sciences
Classification: Likely benign for IRX5-related condition. Last evaluated: 2019-07-08. Review status: no assertion criteria provided. Collection method: clinical testing. Allele origin: germline.
Comment: This variant is classified as likely benign based on ACMG/AMP sequence variant interpretation guidelines (Richards et al. 2015 PMID: 25741868, with internal and published modifications).

NM_005853.6(IRX5):c.987C>A (p.Leu329=)

Gene: IRX5 (iroquois homeobox 5; plus strand). Cytogenetic location: 16q12.2.
Variant type: single nucleotide variant.
Coding change: c.987C>A on transcript NM_005853.6 (MANE Select); coding-DNA position 987, C replaced by A.
Protein change: p.Leu329=; no amino-acid change (leucine 329 retained).
Molecular consequence: synonymous variant.
Genome position (GRCh38, 1-based): chr16:54,933,408, C>A. VCF-style: chr16-54933408-C-A. GRCh37 (hg19) VCF-style: chr16-54967320-C-A.
Other names: c.984C>A, p.Leu328= (NM_001252197.1).
Identifiers: ClinVar variation 3050829 (VCV003050829.2), dbSNP rs1282377086, ClinGen allele CA495795635.
Genomic context (GRCh38, chr16:54,933,408, plus strand): 5'-GGGTCCCGGCGGGCCCTCGGTTATCCATTCGCCGCCTCCGCCGCCGCCTCCTGCGGTGCT[C>A]GCCAAGCCCAAACTGTGGTCTTTGGCAGAGATCGCCACATCGTCGGACAAGGTCAAGGAC-3'
Protein context (NP_005844.4, residues 319-339): SPPPPPPPAV[Leu329=]AKPKLWSLAE